The following is an entry in ClinVar:

NM_002691.4(POLD1):c.1039C>T (p.Pro347Ser)

Gene: POLD1 (DNA polymerase delta 1, catalytic subunit; plus strand). Cytogenetic location: 19q13.33.
Variant type: single nucleotide variant.
Coding change: c.1039C>T on transcript NM_002691.4 (MANE Select); coding-DNA position 1039, C replaced by T.
Protein change: p.Pro347Ser; replaces proline 347 with serine.
Molecular consequence: missense variant. On other transcripts: non-coding transcript variant (1).
Genome position (GRCh38, 1-based): chr19:50,403,121, C>T. VCF-style: chr19-50403121-C-T. GRCh37 (hg19) VCF-style: chr19-50906378-C-T.
Other names: c.1039C>T (NM_002691.2); c.1039C>T, p.Pro347Ser (NM_001256849.1, NM_001308632.1); short protein forms P347S.
Identifiers: ClinVar variation 2130924 (VCV002130924.5), dbSNP rs1235062032, ClinGen allele CA406978103.
Genomic context (GRCh38, chr19:50,403,121, plus strand): 5'-CCTGAGCCTGAGCGGGACCCTGTCATCCAGATCTGCTCGCTGGGCCTGCGCTGGGGGGAG[C>T]CGGAGCCCTTCCTACGCCTGGCGCTCACCCTGCGGCCCTGTGCCCCCATCCTGGGTGCCA-3'
Protein context (NP_002682.2, residues 337-357): ICSLGLRWGE[Pro347Ser]EPFLRLALTL

ClinVar aggregate classification (germline): Uncertain significance. Review status: criteria provided, multiple submitters, no conflicts (2 of 4 stars). 2 submissions from 2 submitters: Uncertain significance (2). Last evaluated 2026-02-17.

Conditions:
POLD1-related polyposis and colorectal cancer syndrome (CRCS10). Also called: Colorectal cancer 10; COLORECTAL CANCER, SUSCEPTIBILITY TO, ON CHROMOSOME 19q; Colorectal cancer, susceptibility to, 10. Identifiers: Orphanet 220460, MedGen C2675481, MONDO:0012953, OMIM 612591.
Hereditary cancer-predisposing syndrome. Also called: Tumor predisposition; Neoplastic Syndromes, Hereditary; Hereditary Cancer Syndrome; Hereditary neoplastic syndrome. Identifiers: Orphanet 140162, MedGen C0027672, MeSH D009386, MONDO:0015356.

Allele frequency attached by ClinVar (database versions not stated): TOPMed below 0.00001.

Submissions (2):

Ambry Genetics
Classification: Uncertain significance for Hereditary cancer-predisposing syndrome. Last evaluated: 2026-02-17. Review status: criteria provided, single submitter. Criteria: Ambry Variant Classification Scheme 2023. Collection method: clinical testing. Allele origin: germline.
Comment: The p.P347S variant (also known as c.1039C>T), located in coding exon 8 of the POLD1 gene, results from a C to T substitution at nucleotide position 1039. The proline at codon 347 is replaced by serine, an amino acid with similar properties. This amino acid position is conserved. In addition, this alteration is predicted to be tolerated by in silico analysis. Based on the available evidence, the clinical significance of this variant remains unclear.

Labcorp Genetics (formerly Invitae), Labcorp
Classification: Uncertain significance for POLD1-related polyposis and colorectal cancer syndrome. Last evaluated: 2023-07-03. Review status: criteria provided, single submitter. Criteria: Invitae Variant Classification Sherloc (09022015). Collection method: clinical testing. Allele origin: germline.
Comment: In summary, the available evidence is currently insufficient to determine the role of this variant in disease. Therefore, it has been classified as a Variant of Uncertain Significance. Advanced modeling of protein sequence and biophysical properties (such as structural, functional, and spatial information, amino acid conservation, physicochemical variation, residue mobility, and thermodynamic stability) performed at Invitae indicates that this missense variant is not expected to disrupt POLD1 protein function. ClinVar contains an entry for this variant (Variation ID: 2130924). This sequence change replaces proline, which is neutral and non-polar, with serine, which is neutral and polar, at codon 347 of the POLD1 protein (p.Pro347Ser). This variant is not present in population databases (gnomAD no frequency). This variant has not been reported in the literature in individuals affected with POLD1-related conditions.